The following is an entry in ClinVar:

ClinVar aggregate classification (germline): Likely benign. Review status: criteria provided, multiple submitters, no conflicts (2 of 4 stars). 4 submissions from 4 submitters: Likely benign (3). 1 of the submissions does not count toward it. Last evaluated 2026-02-01.

Conditions:
CEP250-related disorder. Also called: CEP250-related condition.

Allele frequency attached by ClinVar (database versions not stated): gnomAD 0.00081 and 0.00088; gnomAD exomes 0.00082 and 0.00090; TOPMed 0.00090; ExAC 0.00103; ESP Exome Variant Server 0.00108; 1000 Genomes Project 0.00120; 1000 Genomes Project 30x 0.00203.
gnomAD v4.1: 1,446 of 1,611,574 alleles (0.09%); highest among the groups gnomAD compares: Admixed American, 0.24%; no homozygotes.

Submissions (4):

Labcorp Genetics (formerly Invitae), Labcorp
Classification: Likely benign. Last evaluated: 2026-02-01. Review status: criteria provided, single submitter. Criteria: Invitae Variant Classification Sherloc (09022015). Collection method: clinical testing. Allele origin: germline.

Blueprint Genetics
Classification: Likely benign. Last evaluated: 2024-11-11. Review status: criteria provided, single submitter. Criteria: ACMG Guidelines, 2015. Collection method: clinical testing. Allele origin: germline.

Breakthrough Genomics
Classification: Likely benign. Review status: criteria provided, single submitter. Criteria: ACMG Guidelines, 2015. Collection method: not provided. Allele origin: germline. Inheritance: Autosomal recessive inheritance. Affected: yes.

PreventionGenetics, part of Exact Sciences
Classification: Likely benign for CEP250-related condition. Last evaluated: 2023-11-19. Review status: no assertion criteria provided. Collection method: clinical testing. Allele origin: germline. Not counted in ClinVar's aggregate classification.
Comment: This variant is classified as likely benign based on ACMG/AMP sequence variant interpretation guidelines (Richards et al. 2015 PMID: 25741868, with internal and published modifications).

NM_007186.6(CEP250):c.2775G>T (p.Lys925Asn)

Gene: CEP250 (centrosomal protein 250; plus strand). Cytogenetic location: 20q11.22.
Variant type: single nucleotide variant.
Coding change: c.2775G>T on transcript NM_007186.6 (MANE Select); coding-DNA position 2775, G replaced by T.
Protein change: p.Lys925Asn; replaces lysine 925 with asparagine.
Molecular consequence: missense variant.
Genome position (GRCh38, 1-based): chr20:35,491,232, G>T. VCF-style: chr20-35491232-G-T. GRCh37 (hg19) VCF-style: chr20-34079058-G-T.
Other names: c.879G>T, p.Lys293Asn (NM_001318219.1); c.2775G>T (NM_007186.5); short protein forms K293N, K925N.
Identifiers: ClinVar variation 1116128 (VCV001116128.13), dbSNP rs145916875, ClinGen allele CA9833289.
Genomic context (GRCh38, chr20:35,491,232, plus strand): 5'-TCCTGAGCCCACAAGCTGTTACCCCCCTACCCCTCCACAGATGCAGCTGGAAACAGAGAA[G>T]GAGAGAGTATCCCTCCTGGAGACACTGCTGCAGACGCAGAAGGAGCTAGCAGATGCCAGC-3'
Protein context (NP_009117.2, residues 915-935): ALCQMQLETE[Lys925Asn]ERVSLLETLL